The following is an entry in ClinVar:

NM_000494.4(COL17A1):c.1330G>A (p.Ala444Thr)

Gene: COL17A1 (collagen type XVII alpha 1 chain; minus strand). Cytogenetic location: 10q25.1.
Variant type: single nucleotide variant.
Coding change: c.1330G>A on transcript NM_000494.4 (MANE Select); coding-DNA position 1330, G replaced by A.
Protein change: p.Ala444Thr; replaces alanine 444 with threonine.
Molecular consequence: missense variant.
Genome position (GRCh38, 1-based): chr10:104,057,110, C>T on the plus strand (G>A on the coding strand, the complement: COL17A1 is on the minus strand). VCF-style: chr10-104057110-C-T. GRCh37 (hg19) VCF-style: chr10-105816868-C-T.
Other names: short protein forms A444T.
Identifiers: ClinVar variation 3495157 (VCV003495157.3).

ClinVar aggregate classification (germline): Uncertain significance. Review status: criteria provided, multiple submitters, no conflicts (2 of 4 stars). 2 submissions from 2 submitters: Uncertain significance (2). Last evaluated 2024-09-04.

Conditions:
Inborn genetic diseases. Identifiers: MedGen C0950123, MeSH D030342.

Submissions (2):

Ambry Genetics
Classification: Uncertain significance for Inborn genetic diseases. Last evaluated: 2024-09-04. Review status: criteria provided, single submitter. Criteria: Ambry Variant Classification Scheme 2023. Collection method: clinical testing. Allele origin: germline.

Labcorp Genetics (formerly Invitae), Labcorp
Classification: Uncertain significance. Last evaluated: 2024-03-09. Review status: criteria provided, single submitter. Criteria: Invitae Variant Classification Sherloc (09022015). Collection method: clinical testing. Allele origin: germline.
Comment: This sequence change replaces alanine, which is neutral and non-polar, with threonine, which is neutral and polar, at codon 444 of the COL17A1 protein (p.Ala444Thr). This variant is present in population databases (rs759046384, gnomAD 0.07%). This variant has not been reported in the literature in individuals affected with COL17A1-related conditions. Advanced modeling of protein sequence and biophysical properties (such as structural, functional, and spatial information, amino acid conservation, physicochemical variation, residue mobility, and thermodynamic stability) performed at Invitae indicates that this missense variant is not expected to disrupt COL17A1 protein function with a negative predictive value of 80%. In summary, the available evidence is currently insufficient to determine the role of this variant in disease. Therefore, it has been classified as a Variant of Uncertain Significance.